The following is an entry in ClinVar:

NM_000137.4(FAH):c.53C>T (p.Pro18Leu)

Gene: FAH (fumarylacetoacetate hydrolase; plus strand). Cytogenetic location: 15q25.1.
Variant type: single nucleotide variant.
Coding change: c.53C>T on transcript NM_000137.4 (MANE Select); coding-DNA position 53, C replaced by T.
Protein change: p.Pro18Leu; replaces proline 18 with leucine.
Molecular consequence: missense variant.
Genome position (GRCh38, 1-based): chr15:80,153,107, C>T. VCF-style: chr15-80153107-C-T. GRCh37 (hg19) VCF-style: chr15-80445449-C-T.
Other names: c.53C>T, p.Pro18Leu (NM_001374377.1, NM_001374380.1); short protein forms P18L.
Identifiers: ClinVar variation 989357 (VCV000989357.4), dbSNP rs2041065794, ClinGen allele CA393615560.

ClinVar aggregate classification (germline): Likely pathogenic (1 of 4 stars; one submission).

Conditions:
Tyrosinemia type I (TYRSN1). Also called: FAH DEFICIENCY; Tyrosinemia type 1; Fumarylacetoacetase deficiency; Deficiency of fumarylacetoacetase; HEPATORENAL TYROSINEMIA. Identifiers: Orphanet 882, MedGen C0268490, MONDO:0010161, OMIM 276700. Disease mechanism: loss of function.

Submission:

Illumina Laboratory Services, Illumina
Classification: Likely pathogenic for Tyrosinemia type I. Last evaluated: 2020-09-04. Review status: criteria provided, single submitter. Criteria: ICSLVariantClassificationCriteria RUGD 01 April 2020. Collection method: clinical testing. Allele origin: unknown.
Comment: The FAH c.53C>T (p.Pro18Leu) variant is a missense variant. A literature search was performed for the gene, cDNA change, and amino acid change. No publications were found based on this search. This variant is not found in the Genome Aggregation Database and is in a region of good sequence coverage, so the variant is presumed to be rare. Based on its rarity and identification in trans with another FAH pathogenic variant, the p.Pro18Leu variant is classified as likely pathogenic for tyrosinemia, type I.